The following is an entry in ClinVar:

ClinVar aggregate classification (germline): Pathogenic (1 of 4 stars; one submission).

Conditions:
Peutz-Jeghers syndrome (PJS). Also called: POLYPOSIS, HAMARTOMATOUS INTESTINAL; POLYPS-AND-SPOTS SYNDROME; Peutz-Jeghers polyposis; Periorificial lentiginosis syndrome. Identifiers: Orphanet 2869, MedGen C0031269, MeSH D010580, MONDO:0008280, OMIM 175200.

Submission:

Labcorp Genetics (formerly Invitae), Labcorp
Classification: Pathogenic for Peutz-Jeghers syndrome. Last evaluated: 2017-07-19. Review status: criteria provided, single submitter. Criteria: Invitae Variant Classification Sherloc (09022015). Collection method: clinical testing. Allele origin: germline.
Comment: This variant is not present in population databases (ExAC no frequency). This variant has not been reported in the literature in individuals with STK11-related disease. However, different variants (c.815_816insA, c.816C>A) giving rise to the same protein effect observed here (p.Tyr272*) have been reported in individuals affected with Peutz-Jeghers syndrome (PMID: 12865922, 15863673, 16707622). For these reasons, this variant has been classified as Pathogenic. Loss-of-function variants in STK11 are known to be pathogenic (PMID: 15188174, 16287113). This sequence change creates a premature translational stop signal (p.Tyr272*) in the STK11 gene. It is expected to result in an absent or disrupted protein product.

Literature cited by the submitters: PubMed 12865922; PubMed 15863673; PubMed 16707622; PubMed 15188174; PubMed 16287113.

NM_000455.5(STK11):c.816del (p.Ser271_Tyr272insTer)

Gene: STK11 (serine/threonine kinase 11; plus strand). Cytogenetic location: 19p13.3.
Variant type: Deletion.
Coding change: c.816del on transcript NM_000455.5 (MANE Select); coding-DNA position 816, one base deleted (C; older notation c.816delC).
Protein change: p.Ser271_Tyr272insTer.
Molecular consequence: nonsense.
Genome position (GRCh38, 1-based): chr19:1,221,294, C deleted. VCF-style (leftmost placement, unchanged base first): chr19-1221293-AC-A. GRCh37 (hg19) VCF-style: chr19-1221292-AC-A.
Other names: c.816delC (NM_000455.4).
Identifiers: ClinVar variation 458065 (VCV000458065.8), dbSNP rs1555738667, ClinGen allele CA658656758.
Genomic context (GRCh38, chr19:1,221,293, plus strand): 5'-TGTACCCCTTCGAAGGGGACAACATCTACAAGTTGTTTGAGAACATCGGGAAGGGGAGCT[AC>A]GCCATCCCGGGCGACTGTGGCCCCCCGCTCTCTGACCTGCTGAAAGGTGGGAGCCTCATC-3'